The following is an entry in ClinVar:

NM_032982.4(CASP2):c.801G>A (p.Thr267=)

Gene: CASP2 (caspase 2; plus strand). Cytogenetic location: 7q34.
Variant type: single nucleotide variant.
Coding change: c.801G>A on transcript NM_032982.4 (MANE Select); coding-DNA position 801, G replaced by A.
Protein change: p.Thr267=; no amino-acid change (threonine 267 retained).
Molecular consequence: synonymous variant. On other transcripts: 3 prime UTR variant (1).
Genome position (GRCh38, 1-based): chr7:143,299,976, G>A. VCF-style: chr7-143299976-G-A. GRCh37 (hg19) VCF-style: chr7-142997069-G-A.
Other names: c.708G>A, p.Thr236= (NM_001224.5); c.*256G>A (NM_032983.4).
Identifiers: ClinVar variation 710251 (VCV000710251.13), dbSNP rs114290247, ClinGen allele CA4536563.
Genomic context (GRCh38, chr7:143,299,976, plus strand): 5'-CTTTTAGGAAATGCAAGAGAAACTGCAGAATTTTGCACAGTTACCTGCACACCGAGTCAC[G>A]GACTCCTGCATCGTGGCACTCCTCTCGCATGGTGTGGAGGGCGCCATCTATGGTGTGGAT-3'
Protein context (NP_116764.2, residues 257-277): NFAQLPAHRV[Thr267=]DSCIVALLSH

ClinVar aggregate classification (germline): Benign/Likely benign. Review status: criteria provided, multiple submitters, no conflicts (2 of 4 stars). 4 submissions from 4 submitters: Benign (2); Likely benign (2). Last evaluated 2026-09-01.

Allele frequency attached by ClinVar (database versions not stated): gnomAD exomes 0.00103 and 0.00190; ExAC 0.00197; 1000 Genomes Project 30x 0.00359; 1000 Genomes Project 0.00379; gnomAD 0.00402 and 0.00434; ESP Exome Variant Server 0.00423; TOPMed 0.00492.

Submissions (4):

CeGaT Center for Human Genetics Tuebingen
Classification: Likely benign. Last evaluated: 2026-09-01. Review status: criteria provided, single submitter. Criteria: CeGaT Center For Human Genetics Tuebingen Variant Classification Criteria Version 2. Collection method: clinical testing. Allele origin: germline. Affected: yes. Observed: 9 variant alleles.
Comment: CASP2: BP4, BP7, BS2

Blueprint Genetics
Classification: Likely benign. Last evaluated: 2024-11-27. Review status: criteria provided, single submitter. Criteria: ACMG Guidelines, 2015. Collection method: clinical testing. Allele origin: germline.

Labcorp Genetics (formerly Invitae), Labcorp
Classification: Benign. Last evaluated: 2019-12-31. Review status: criteria provided, single submitter. Criteria: Invitae Variant Classification Sherloc (09022015). Collection method: clinical testing. Allele origin: germline.

Breakthrough Genomics
Classification: Benign. Review status: criteria provided, single submitter. Criteria: ACMG Guidelines, 2015. Collection method: not provided. Allele origin: germline. Inheritance: Unknown mechanism. Affected: yes.